The following is an entry in ClinVar:

NM_000553.6(WRN):c.2106_2109dup (p.Ala704fs)

Gene: WRN (WRN RecQ like helicase; plus strand). Cytogenetic location: 8p12.
Variant type: Duplication.
Coding change: c.2106_2109dup on transcript NM_000553.6 (MANE Select); coding-DNA positions 2106 to 2109, 4 bases duplicated (TACT; older notation c.2106_2109dupTACT).
Protein change: p.Ala704fs; shifts the reading frame from alanine 704.
Molecular consequence: frameshift variant.
Genome position (GRCh38, 1-based): chr8:31,111,632-31,111,635, TACT duplicated; duplicating any 4 consecutive bases within chr8:31,111,629-31,111,635 gives the same sequence; the c. name uses the placement nearest the transcript's 3' end. VCF-style (leftmost placement, unchanged base first): chr8-31111628-C-CACTT. GRCh37 (hg19) VCF-style: chr8-30969144-C-CACTT.
Other names: short protein forms A704fs.
Identifiers: ClinVar variation 2733499 (VCV002733499.3), dbSNP rs2535968541, ClinGen allele CA2697549797.

ClinVar aggregate classification (germline): Pathogenic (1 of 4 stars; one submission).

Conditions:
Werner syndrome (WRN). Identifiers: Orphanet 902, MedGen C0043119, MONDO:0010196, OMIM 277700.

Submission:

Labcorp Genetics (formerly Invitae), Labcorp
Classification: Pathogenic for Werner syndrome. Last evaluated: 2023-07-08. Review status: criteria provided, single submitter. Criteria: Invitae Variant Classification Sherloc (09022015). Collection method: clinical testing. Allele origin: germline.
Comment: This variant is not present in population databases (gnomAD no frequency). This sequence change creates a premature translational stop signal (p.Ala704Tyrfs*29) in the WRN gene. It is expected to result in an absent or disrupted protein product. Loss-of-function variants in WRN are known to be pathogenic (PMID: 16673358). This variant has not been reported in the literature in individuals affected with WRN-related conditions. For these reasons, this variant has been classified as Pathogenic.

Literature cited by the submitters: PubMed 16673358.